The following is an entry in ClinVar:

ClinVar aggregate classification (germline): Likely benign. Review status: criteria provided, multiple submitters, no conflicts (2 of 4 stars). 2 submissions from 2 submitters: Likely benign (2). Last evaluated 2026-01-12.

Conditions:
Rubinstein-Taybi syndrome due to EP300 haploinsufficiency. Also called: EP300-Related Rubinstein-Taybi Syndrome; RUBINSTEIN-TAYBI SYNDROME 2. Identifiers: Orphanet 353284, Orphanet 783, MedGen C3150941, MONDO:0013364, OMIM 613684.
EP300-related disorder. Also called: EP300-related disorders; EP300-related condition.

gnomAD v4.1: 26 of 1,609,870 alleles (0.0016%); highest among the groups gnomAD compares: Middle Eastern, 0.017%; no homozygotes.

Submissions (2):

PreventionGenetics, part of Exact Sciences
Classification: Likely benign for EP300-related condition. Last evaluated: 2026-01-12. Review status: criteria provided, single submitter. Criteria: ACMG Guidelines, 2015. Collection method: clinical testing. Allele origin: germline.
Comment: This variant is classified as likely benign based on ACMG/AMP sequence variant interpretation guidelines (Richards et al. 2015 PMID: 25741868, with internal and published modifications).

Labcorp Genetics (formerly Invitae), Labcorp
Classification: Likely benign for Rubinstein-Taybi syndrome due to EP300 haploinsufficiency. Last evaluated: 2025-10-27. Review status: criteria provided, single submitter. Criteria: Invitae Variant Classification Sherloc (09022015). Collection method: clinical testing. Allele origin: germline.

NM_001429.4(EP300):c.2790G>A (p.Pro930=)

Gene: EP300 (EP300 lysine acetyltransferase; plus strand). Cytogenetic location: 22q13.2.
Variant type: single nucleotide variant.
Coding change: c.2790G>A on transcript NM_001429.4 (MANE Select); coding-DNA position 2790, G replaced by A.
Protein change: p.Pro930=; no amino-acid change (proline 930 retained).
Molecular consequence: synonymous variant.
Genome position (GRCh38, 1-based): chr22:41,150,171, G>A. VCF-style: chr22-41150171-G-A. GRCh37 (hg19) VCF-style: chr22-41546175-G-A.
Other names: c.2712G>A, p.Pro904= (NM_001362843.2); c.2790G>A (NM_001429.3).
Identifiers: ClinVar variation 3631931 (VCV003631931.3).